The following is an entry in ClinVar:

NM_016030.6(TRAPPC12):c.1407T>C (p.Pro469=)

Gene: TRAPPC12 (trafficking protein particle complex subunit 12; plus strand). Cytogenetic location: 2p25.3.
Variant type: single nucleotide variant.
Coding change: c.1407T>C on transcript NM_016030.6 (MANE Select); coding-DNA position 1407, T replaced by C.
Protein change: p.Pro469=; no amino-acid change (proline 469 retained).
Molecular consequence: synonymous variant.
Genome position (GRCh38, 1-based): chr2:3,424,653, T>C. VCF-style: chr2-3424653-T-C. GRCh37 (hg19) VCF-style: chr2-3428424-T-C.
Other names: c.1407T>C, p.Pro469= (NM_001321102.2).
Identifiers: ClinVar variation 3053317 (VCV003053317.2), dbSNP rs2528500662, ClinGen allele CA424592729.

ClinVar aggregate classification (germline): Likely benign (0 of 4 stars; one submission).

Conditions:
TRAPPC12-related disorder. Also called: TRAPPC12-related condition.

Allele frequency attached by ClinVar (database versions not stated): gnomAD exomes below 0.00001.
gnomAD v4.1: 1 of 1,608,210 alleles (0.000062%); highest among the groups gnomAD compares: African/African-American, 0.0013%; no homozygotes.

Submission:

PreventionGenetics, part of Exact Sciences
Classification: Likely benign for TRAPPC12-related condition. Last evaluated: 2023-03-06. Review status: no assertion criteria provided. Collection method: clinical testing. Allele origin: germline.
Comment: This variant is classified as likely benign based on ACMG/AMP sequence variant interpretation guidelines (Richards et al. 2015 PMID: 25741868, with internal and published modifications).